The following is an entry in ClinVar:

ClinVar aggregate classification (germline): Uncertain significance. Review status: criteria provided, multiple submitters, no conflicts (2 of 4 stars). 2 submissions from 2 submitters: Uncertain significance (2). Last evaluated 2026-01-20.

Conditions:
BDP1-related disorder. Also called: BDP1-related condition.

Submissions (2):

PreventionGenetics, part of Exact Sciences
Classification: Uncertain significance for BDP1-related condition. Last evaluated: 2026-01-20. Review status: criteria provided, single submitter. Criteria: ACMG Guidelines, 2015. Collection method: clinical testing. Allele origin: germline.
Comment: The BDP1 c.2338C>A variant is predicted to result in the amino acid substitution p.Pro780Thr. To our knowledge, this variant has not been reported in the literature. This variant is reported in 0.012% of alleles in individuals of European (Non-Finnish) descent in gnomAD. At this time, the clinical significance of this variant is uncertain due to the absence of conclusive functional and genetic evidence.

Ambry Genetics
Classification: Uncertain significance. Last evaluated: 2024-07-02. Review status: criteria provided, single submitter. Criteria: Ambry Variant Classification Scheme 2023. Collection method: clinical testing. Allele origin: germline.

NM_018429.3(BDP1):c.2338C>A (p.Pro780Thr)

Gene: BDP1 (BDP1 general transcription factor IIIB subunit; plus strand). Cytogenetic location: 5q13.2.
Variant type: single nucleotide variant.
Coding change: c.2338C>A on transcript NM_018429.3 (MANE Select); coding-DNA position 2338, C replaced by A.
Protein change: p.Pro780Thr; replaces proline 780 with threonine.
Molecular consequence: missense variant.
Genome position (GRCh38, 1-based): chr5:71,504,717, C>A. VCF-style: chr5-71504717-C-A. GRCh37 (hg19) VCF-style: chr5-70800544-C-A.
Other names: short protein forms P780T.
Identifiers: ClinVar variation 3480348 (VCV003480348.2).